The following is an entry in ClinVar:

ClinVar aggregate classification (germline): Uncertain significance (1 of 4 stars; one submission).

Conditions:
Hereditary cancer-predisposing syndrome. Also called: Neoplastic Syndromes, Hereditary; Hereditary neoplastic syndrome; Tumor predisposition; Hereditary Cancer Syndrome. Identifiers: Orphanet 140162, MedGen C0027672, MeSH D009386, MONDO:0015356.

Submission:

Ambry Genetics
Classification: Uncertain significance for Hereditary cancer-predisposing syndrome. Last evaluated: 2026-02-05. Review status: criteria provided, single submitter. Criteria: Ambry Variant Classification Scheme 2023. Collection method: clinical testing. Allele origin: germline.
Comment: The p.S840R variant (also known as c.2520T>A), located in coding exon 9 of the BRCA1 gene, results from a T to A substitution at nucleotide position 2520. The serine at codon 840 is replaced by arginine, an amino acid with dissimilar properties. This amino acid position is poorly conserved in available vertebrate species. In addition, the in silico prediction for this alteration is inconclusive. Based on the available evidence, the clinical significance of this variant remains unclear.

NM_007294.4(BRCA1):c.2520T>A (p.Ser840Arg)

Gene: BRCA1 (BRCA1 DNA repair associated; minus strand). Cytogenetic location: 17q21.31.
Variant type: single nucleotide variant.
Coding change: c.2520T>A on transcript NM_007294.4 (MANE Select); coding-DNA position 2520, T replaced by A.
Protein change: p.Ser840Arg; replaces serine 840 with arginine.
Molecular consequence: missense variant. On other transcripts: intron variant (137).
Genome position (GRCh38, 1-based): chr17:43,093,011, A>T on the plus strand (T>A on the coding strand, the complement: BRCA1 is on the minus strand). VCF-style: chr17-43093011-A-T. GRCh37 (hg19) VCF-style: chr17-41245028-A-T.
Other names: c.2394T>A, p.Ser798Arg (NM_001407649.1, NM_001407670.1, NM_001407671.1 and 11 more transcripts); c.2520T>A, p.Ser840Arg (NM_001407652.1, NM_007300.4, NM_001407684.1 and 30 more transcripts); c.2442T>A, p.Ser814Arg (NM_001407653.1, NM_001407654.1, NM_001407655.1 and 4 more transcripts); c.2397T>A, p.Ser799Arg (NM_001407669.1, NM_001407674.1, NM_001407675.1 and 19 more transcripts); c.2379T>A, p.Ser793Arg (NM_001407692.1, NM_001407694.1, NM_001407695.1 and 29 more transcripts); c.2310T>A, p.Ser770Arg (NM_001407900.1, NM_001407902.1, NM_001407904.1 and 13 more transcripts); c.2307T>A, p.Ser769Arg (NM_001407915.1, NM_001407571.1, NM_001407853.1 and 9 more transcripts); c.646+1733T>A (NM_001408459.1, NM_001408458.1, NM_001408469.1 and 11 more transcripts); and 41 more; short protein forms S672R, S769R, S799R, S813R, S712R, S713R, S752R, S792R.
Identifiers: ClinVar variation 4824195 (VCV004824195.1).